The following is an entry in ClinVar:

NM_030962.4(SBF2):c.3823C>G (p.Arg1275Gly)

Gene: SBF2 (SET binding factor 2; minus strand). Cytogenetic location: 11p15.4.
Variant type: single nucleotide variant.
Coding change: c.3823C>G on transcript NM_030962.4 (MANE Select); coding-DNA position 3823, C replaced by G.
Protein change: p.Arg1275Gly; replaces arginine 1275 with glycine.
Molecular consequence: missense variant.
Genome position (GRCh38, 1-based): chr11:9,816,995, G>C on the plus strand (C>G on the coding strand, the complement: SBF2 is on the minus strand). VCF-style: chr11-9816995-G-C. GRCh37 (hg19) VCF-style: chr11-9838542-G-C.
Other names: c.3919C>G, p.Arg1307Gly (NM_001386339.1); c.3694C>G, p.Arg1232Gly (NM_001386342.1); short protein forms R1275G, R1232G, R1307G.
Identifiers: ClinVar variation 639343 (VCV000639343.11), dbSNP rs956737183, ClinGen allele CA379644773.

ClinVar aggregate classification (germline): Uncertain significance (1 of 4 stars; one submission).

Conditions:
Charcot-Marie-Tooth disease type 4. Also called: Charcot-Marie-Tooth disease, type IV; Charcot-Marie-Tooth, Type 4. Identifiers: Orphanet 64749, MedGen C4082197, MONDO:0018995.

Submission:

Labcorp Genetics (formerly Invitae), Labcorp
Classification: Uncertain significance for Charcot-Marie-Tooth disease type 4. Last evaluated: 2022-02-03. Review status: criteria provided, single submitter. Criteria: Invitae Variant Classification Sherloc (09022015). Collection method: clinical testing. Allele origin: germline.
Comment: This sequence change replaces arginine, which is basic and polar, with glycine, which is neutral and non-polar, at codon 1275 of the SBF2 protein (p.Arg1275Gly). In summary, the available evidence is currently insufficient to determine the role of this variant in disease. Therefore, it has been classified as a Variant of Uncertain Significance. Algorithms developed to predict the effect of missense changes on protein structure and function are either unavailable or do not agree on the potential impact of this missense change (SIFT: "Deleterious"; PolyPhen-2: "Possibly Damaging"; Align-GVGD: "Class C0"). ClinVar contains an entry for this variant (Variation ID: 639343). This variant has not been reported in the literature in individuals affected with SBF2-related conditions. This variant is not present in population databases (gnomAD no frequency).